The following is an entry in ClinVar:

ClinVar aggregate classification (germline): Uncertain significance. Review status: criteria provided, multiple submitters, no conflicts (2 of 4 stars). 3 submissions from 3 submitters: Uncertain significance (3). Last evaluated 2026-03-22.

Conditions:
Inborn genetic diseases. Identifiers: MedGen C0950123, MeSH D030342.

Allele frequency attached by ClinVar (database versions not stated): gnomAD exomes 0.00002; gnomAD 0.00004; TOPMed 0.00002; ExAC 0.00003.
gnomAD v4.1: 58 of 1,613,922 alleles (0.0036%); highest among the groups gnomAD compares: Middle Eastern, 0.05%; no homozygotes.

Submissions (3):

GeneDx
Classification: Uncertain significance. Last evaluated: 2026-03-22. Review status: criteria provided, single submitter. Criteria: GeneDx Variant Classification Process June 2021. Collection method: clinical testing. Allele origin: germline.
Comment: Not observed at significant frequency in large population cohorts (gnomAD); In silico analysis suggests that this missense variant does not alter protein structure/function; Has not been previously published as pathogenic or benign to our knowledge

Ambry Genetics
Classification: Uncertain significance for Inborn genetic diseases. Last evaluated: 2025-05-19. Review status: criteria provided, single submitter. Criteria: Ambry Variant Classification Scheme 2023. Collection method: clinical testing. Allele origin: germline.

Labcorp Genetics (formerly Invitae), Labcorp
Classification: Uncertain significance. Last evaluated: 2024-10-24. Review status: criteria provided, single submitter. Criteria: Invitae Variant Classification Sherloc (09022015). Collection method: clinical testing. Allele origin: germline.
Comment: This sequence change replaces arginine, which is basic and polar, with glutamine, which is neutral and polar, at codon 901 of the AARS2 protein (p.Arg901Gln). This variant is present in population databases (rs768583871, gnomAD 0.006%). This variant has not been reported in the literature in individuals affected with AARS2-related conditions. ClinVar contains an entry for this variant (Variation ID: 1346175). Invitae Evidence Modeling of protein sequence and biophysical properties (such as structural, functional, and spatial information, amino acid conservation, physicochemical variation, residue mobility, and thermodynamic stability) indicates that this missense variant is not expected to disrupt AARS2 protein function with a negative predictive value of 80%. In summary, the available evidence is currently insufficient to determine the role of this variant in disease. Therefore, it has been classified as a Variant of Uncertain Significance.

NM_020745.4(AARS2):c.2702G>A (p.Arg901Gln)

Gene: AARS2 (alanyl-tRNA synthetase 2, mitochondrial; minus strand). Cytogenetic location: 6p21.1.
Variant type: single nucleotide variant.
Coding change: c.2702G>A on transcript NM_020745.4 (MANE Select); coding-DNA position 2702, G replaced by A.
Protein change: p.Arg901Gln; replaces arginine 901 with glutamine.
Molecular consequence: missense variant.
Genome position (GRCh38, 1-based): chr6:44,301,247, C>T on the plus strand (G>A on the coding strand, the complement: AARS2 is on the minus strand). VCF-style: chr6-44301247-C-T. GRCh37 (hg19) VCF-style: chr6-44268984-C-T.
Other names: short protein forms R901Q.
Identifiers: ClinVar variation 1346175 (VCV001346175.12), dbSNP rs768583871, ClinGen allele CA3833860.
Genomic context (GRCh38, chr6:44,301,247, plus strand): 5'-CCCATGGGCTGGGGGCTGAGTAGGAGCACAGACGTGCTGGGGGCCTGCTCACACAGCTGC[C>T]GTACCACCTTCACCAGCACCTGGACCACGAAAGACAGATGGTGAGCCCATCGCTTCCCAG-3'
Protein context (NP_065796.2, residues 891-911): ESLSVLVKVV[Arg901Gln]QLCEQAPSTS